The following is an entry in ClinVar:

ClinVar aggregate classification (germline): Uncertain significance (1 of 4 stars; one submission).

Submission:

Labcorp Genetics (formerly Invitae), Labcorp
Classification: Uncertain significance. Last evaluated: 2023-02-03. Review status: criteria provided, single submitter. Criteria: Invitae Variant Classification Sherloc (09022015). Collection method: clinical testing. Allele origin: germline.
Comment: This variant is not present in population databases (gnomAD no frequency). This sequence change falls in intron 15 of the COL2A1 gene. It does not directly change the encoded amino acid sequence of the COL2A1 protein. This variant has not been reported in the literature in individuals affected with COL2A1-related conditions. Algorithms developed to predict the effect of sequence changes on RNA splicing suggest that this variant may create or strengthen a splice site. In summary, the available evidence is currently insufficient to determine the role of this variant in disease. Therefore, it has been classified as a Variant of Uncertain Significance.

NM_001844.5(COL2A1):c.970-14G>A

Gene: COL2A1 (collagen type II alpha 1 chain; minus strand). Cytogenetic location: 12q13.11.
Variant type: single nucleotide variant.
Coding change: c.970-14G>A on transcript NM_001844.5 (MANE Select); 14 bases into the intron before coding-DNA position 970, G replaced by A.
Molecular consequence: intron variant.
Genome position (GRCh38, 1-based): chr12:47,992,945, C>T on the plus strand (G>A on the coding strand, the complement: COL2A1 is on the minus strand). VCF-style: chr12-47992945-C-T. GRCh37 (hg19) VCF-style: chr12-48386728-C-T.
Other names: c.763-14G>A (NM_033150.3).
Identifiers: ClinVar variation 2834203 (VCV002834203.3), dbSNP rs2540165784, ClinGen allele CA2739271949.
Genomic context (GRCh38, chr12:47,992,945, plus strand): 5'-CCAGCAGGGCCAGTCCGTCCTCTTTCACCAGGCAGGCCACGAGGACCCTGGAACACACAC[C>T]AGGACAGCCTAAGCATGAGTTGGCTTTACGGTGCTCAGGGTGACCATTTCTACCTGCAGG-3'